The following is an entry in ClinVar:

ClinVar aggregate classification (germline): Uncertain significance (1 of 4 stars; one submission).

Conditions:
Inborn genetic diseases. Identifiers: MedGen C0950123, MeSH D030342.

gnomAD v4.1: 1 of 1,613,988 alleles (0.000062%); highest among the groups gnomAD compares: Non-Finnish European, 0.000085%; no homozygotes.

Submission:

Ambry Genetics
Classification: Uncertain significance for Inborn genetic diseases. Last evaluated: 2026-07-02. Review status: criteria provided, single submitter. Criteria: Ambry Variant Classification Scheme 2023. Collection method: clinical testing. Allele origin: germline.
Comment: The p.A4166D variant (also known as c.12497C>A), located in coding exon 90 of the RYR1 gene, results from a C to A substitution at nucleotide position 12497. The alanine at codon 4166 is replaced by aspartic acid, an amino acid with dissimilar properties. This amino acid position is conserved. In addition, this alteration is predicted to be deleterious by in silico analysis. Based on the available evidence, the clinical significance of this variant remains unclear.

NM_000540.3(RYR1):c.12497C>A (p.Ala4166Asp)

Gene: RYR1 (ryanodine receptor 1; plus strand). Cytogenetic location: 19q13.2.
Variant type: single nucleotide variant.
Coding change: c.12497C>A on transcript NM_000540.3 (MANE Select); coding-DNA position 12497, C replaced by A.
Protein change: p.Ala4166Asp; replaces alanine 4166 with aspartic acid.
Molecular consequence: missense variant.
Genome position (GRCh38, 1-based): chr19:38,561,327, C>A. VCF-style: chr19-38561327-C-A. GRCh37 (hg19) VCF-style: chr19-39051967-C-A.
Other names: c.12482C>A, p.Ala4161Asp (NM_001042723.2); short protein forms A4166D, A4161D.
Identifiers: ClinVar variation 5028620 (VCV005028620.1).